The following is an entry in ClinVar:

NM_001034853.2(RPGR):c.2426AGG[1] (p.Glu810del)

Gene: RPGR (retinitis pigmentosa GTPase regulator; minus strand). Cytogenetic location: Xp11.4.
Variant type: Microsatellite.
Coding change: c.2426AGG[1] on transcript NM_001034853.2 (MANE Select); one copy of the 3-base unit AGG starting at c.2426; the reference has two copies in a row; one copy, 3 bases deleted; also written c.2429_2431del.
Protein change: p.Glu810del; deletes glutamic acid 810.
Molecular consequence: inframe deletion. On other transcripts: intron variant (8).
Genome position (GRCh38, 1-based): chrX:38,286,568-38,286,570, CCT deleted on the plus strand (AGG on the coding strand, the reverse complement: RPGR is on the minus strand); deleting any 3 consecutive bases within chrX:38,286,568-38,286,574 gives the same sequence; the position shown is the placement nearest the transcript's 3' end. VCF-style (leftmost placement, unchanged base first): chrX-38286567-CCCT-C. GRCh37 (hg19) VCF-style: chrX-38145820-CCCT-C.
Other names: c.1569+4389_1569+4391del (NM_001367249.1, NM_001367250.1); c.1902+524_1902+526del (NM_001367245.1); c.1386+4389_1386+4391del (NM_001367251.1); c.1719+524_1719+526del (NM_001367246.1); c.1572+4389_1572+4391del (NM_001367247.1); c.1905+524_1905+526del (NM_000328.3); c.1602+4389_1602+4391del (NM_001367248.1); c.2429_2431del (NM_001034853.1); short protein forms E810del.
Identifiers: ClinVar variation 1444797 (VCV001444797.9), dbSNP rs745480662, ClinGen allele CA10385284.

ClinVar aggregate classification (germline): Uncertain significance. Review status: criteria provided, multiple submitters, no conflicts (2 of 4 stars). 3 submissions from 3 submitters: Uncertain significance (3). Last evaluated 2025-03-07.

Conditions:
Primary ciliary dyskinesia. Also called: Ciliary dyskinesia. Identifiers: Orphanet 244, MedGen C0008780, MONDO:0016575, HP:0012265.

Submissions (3):

Labcorp Genetics (formerly Invitae), Labcorp
Classification: Uncertain significance for Primary ciliary dyskinesia. Last evaluated: 2025-03-07. Review status: criteria provided, single submitter. Criteria: Invitae Variant Classification Sherloc (09022015). Collection method: clinical testing. Allele origin: germline.
Comment: This variant, c.2429_2431del, results in the deletion of 1 amino acid(s) of the RPGR (ORF15) protein (p.Glu810del), but otherwise preserves the integrity of the reading frame. The frequency data for this variant in the population databases is considered unreliable, as metrics indicate poor data quality at this position in the gnomAD database. This variant has not been reported in the literature in individuals affected with RPGR (ORF15)-related conditions. Experimental studies and prediction algorithms are not available or were not evaluated, and the functional significance of this variant is currently unknown. In summary, the available evidence is currently insufficient to determine the role of this variant in disease. Therefore, it has been classified as a Variant of Uncertain Significance.

Blueprint Genetics
Classification: Uncertain significance. Last evaluated: 2024-09-06. Review status: criteria provided, single submitter. Criteria: ACMG Guidelines, 2015. Collection method: clinical testing. Allele origin: germline.

PreventionGenetics, part of Exact Sciences
Classification: Uncertain significance. Last evaluated: 2019-08-12. Review status: criteria provided, single submitter. Criteria: ACMG Guidelines, 2015. Collection method: clinical testing. Allele origin: germline.